The following is an entry in ClinVar:

ClinVar aggregate classification (germline): Uncertain significance (1 of 4 stars; one submission).

Submission:

Labcorp Genetics (formerly Invitae), Labcorp
Classification: Uncertain significance. Last evaluated: 2022-08-21. Review status: criteria provided, single submitter. Criteria: Invitae Variant Classification Sherloc (09022015). Collection method: clinical testing. Allele origin: germline.
Comment: In summary, the available evidence is currently insufficient to determine the role of this variant in disease. Therefore, it has been classified as a Variant of Uncertain Significance. Algorithms developed to predict the effect of missense changes on protein structure and function are either unavailable or do not agree on the potential impact of this missense change (SIFT: "Deleterious"; PolyPhen-2: "Benign"; Align-GVGD: "Class C0"). This variant has not been reported in the literature in individuals affected with LTBP2-related conditions. This variant is present in population databases (rs371440115, gnomAD 0.01%). This sequence change replaces alanine, which is neutral and non-polar, with glutamic acid, which is acidic and polar, at codon 733 of the LTBP2 protein (p.Ala733Glu).

NM_000428.3(LTBP2):c.2198C>A (p.Ala733Glu)

Gene: LTBP2 (latent transforming growth factor beta binding protein 2; minus strand). Cytogenetic location: 14q24.3.
Variant type: single nucleotide variant.
Coding change: c.2198C>A on transcript NM_000428.3 (MANE Select); coding-DNA position 2198, C replaced by A.
Protein change: p.Ala733Glu; replaces alanine 733 with glutamic acid.
Molecular consequence: missense variant.
Genome position (GRCh38, 1-based): chr14:74,528,653, G>T on the plus strand (C>A on the coding strand, the complement: LTBP2 is on the minus strand). VCF-style: chr14-74528653-G-T. GRCh37 (hg19) VCF-style: chr14-74995356-G-T.
Other names: short protein forms A733E.
Identifiers: ClinVar variation 2117521 (VCV002117521.2), dbSNP rs371440115, ClinGen allele CA7269611.